The following is an entry in ClinVar:

ClinVar aggregate classification (germline): Pathogenic (1 of 4 stars; one submission).

Conditions:
KIAA0586-related disorder. Also called: KIAA0586-related condition; KIAA0586- Related disorders.

Submission:

Rady Children's Institute for Genomic Medicine, Rady Children's Hospital San Diego
Classification: Pathogenic for KIAA0586- Related disorders. Last evaluated: 2024-10-08. Review status: criteria provided, single submitter. Criteria: ACMG Guidelines, 2015. Collection method: clinical testing. Allele origin: germline. Affected: yes.
Comment: This nonsense variant found in exon 10 of 34 is predicted to result in loss of normal protein function through either protein truncation or nonsense-mediated mRNA decay. Loss-of-function variation in KIAA0586 is an established mechanism of disease (PMID: 20301500). This variant has not been previously reported or functionally characterized in the literature to our knowledge. The c.1214C>G (p.Ser405Ter) variant is present in the latest version of the gnomAD population database at an allele frequency of 0.00006% (1/1609250), and is absent in the homozygous state, thus is presumed to be rare. Based on the available evidence, c.1214C>G (p.Ser405Ter) is classified as Pathogenic.

NM_001329943.3(KIAA0586):c.1055C>G (p.Ser352Ter)

Gene: KIAA0586 (KIAA0586; plus strand). Cytogenetic location: 14q23.1.
Variant type: single nucleotide variant.
Coding change: c.1055C>G on transcript NM_001329943.3 (MANE Select); coding-DNA position 1055, C replaced by G.
Protein change: p.Ser352Ter; replaces serine 352 with a stop codon.
Molecular consequence: nonsense.
Genome position (GRCh38, 1-based): chr14:58,450,672, C>G. VCF-style: chr14-58450672-C-G. GRCh37 (hg19) VCF-style: chr14-58917390-C-G.
Other names: c.1010C>G, p.Ser337Ter (NM_001244190.2); c.800C>G, p.Ser267Ter (NM_001244191.2, NM_001329945.2, NM_001364700.1 and 1 more transcripts); c.923C>G, p.Ser308Ter (NM_001244192.2); c.635C>G, p.Ser212Ter (NM_001244193.2); c.1055C>G, p.Ser352Ter (NM_001329944.2, NM_001329946.2, NM_001329947.2 and 1 more transcripts); c.1214C>G, p.Ser405Ter (NM_001244189.2); short protein forms S212*, S267*, S308*, S337*, S352*, S405*.
Identifiers: ClinVar variation 3773840 (VCV003773840.1).